The following is an entry in ClinVar:

ClinVar aggregate classification (germline): Likely benign (1 of 4 stars; one submission).

gnomAD v4.1: 1 of 1,530,510 alleles (0.000065%); highest among the groups gnomAD compares: East Asian, 0.0024%; no homozygotes.

Submission:

GeneDx
Classification: Likely benign. Last evaluated: 2016-02-19. Review status: criteria provided, single submitter. Criteria: GeneDx Variant Classification (06012015). Collection method: clinical testing. Allele origin: germline. Affected: yes.
Comment: This variant is considered likely benign or benign based on one or more of the following criteria: it is a conservative change, it occurs at a poorly conserved position in the protein, it is predicted to be benign by multiple in silico algorithms, and/or has population frequency not consistent with disease.

NM_024422.6(DSC2):c.70-18T>C

Gene: DSC2 (desmocollin 2; minus strand). Cytogenetic location: 18q12.1.
Variant type: single nucleotide variant.
Coding change: c.70-18T>C on transcript NM_024422.6 (MANE Select); 18 bases into the intron before coding-DNA position 70, T replaced by C.
Molecular consequence: intron variant.
Genome position (GRCh38, 1-based): chr18:31,093,661, A>G on the plus strand (T>C on the coding strand, the complement: DSC2 is on the minus strand). VCF-style: chr18-31093661-A-G. GRCh37 (hg19) VCF-style: chr18-28673624-A-G.
Other names: c.70-18T>C (NM_004949.5).
Identifiers: ClinVar variation 383953 (VCV000383953.1), dbSNP rs757641297, ClinGen allele CA16607571.
Genomic context (GRCh38, chr18:31,093,661, plus strand): 5'-GTAATGTCACATTTTTGCAGGCATCACTGGCAAATATTAAGATCTAAAAAATGAAAAAAA[A>G]TCAAATAAATATTATGCATAAAAAGAAAACTTTAATGTGTATATTATTTATATAAATTAT-3'